The following is an entry in ClinVar:

NM_001844.5(COL2A1):c.193G>A (p.Asp65Asn)

Gene: COL2A1 (collagen type II alpha 1 chain; minus strand). Cytogenetic location: 12q13.11.
Variant type: single nucleotide variant.
Coding change: c.193G>A on transcript NM_001844.5 (MANE Select); coding-DNA position 193, G replaced by A.
Protein change: p.Asp65Asn; replaces aspartic acid 65 with asparagine.
Molecular consequence: missense variant. On other transcripts: intron variant (1).
Genome position (GRCh38, 1-based): chr12:48,000,018, C>T on the plus strand (G>A on the coding strand, the complement: COL2A1 is on the minus strand). VCF-style: chr12-48000018-C-T. GRCh37 (hg19) VCF-style: chr12-48393801-C-T.
Other names: c.86-1587G>A (NM_033150.3); short protein forms D65N.
Identifiers: ClinVar variation 843504 (VCV000843504.13), dbSNP rs1940156255, ClinGen allele CA384526262.

ClinVar aggregate classification (germline): Conflicting classifications of pathogenicity. Review status: criteria provided, conflicting classifications (1 of 4 stars). 3 submissions from 3 submitters: Likely pathogenic (1); Uncertain significance (2). Last evaluated 2026-06-06.

Conditions:
MASS syndrome (OCTD). Also called: MASS PHENOTYPE; OVERLAP CONNECTIVE TISSUE DISEASE. Identifiers: MedGen C1858556, MONDO:0011431, OMIM 604308.

Allele frequency attached by ClinVar (database versions not stated): gnomAD exomes below 0.00001; TOPMed below 0.00001.
gnomAD v4.1: 6 of 1,614,132 alleles (0.00037%); highest among the groups gnomAD compares: East Asian, 0.0022%; no homozygotes.

Submissions (3):

GeneDx
Classification: Uncertain significance. Last evaluated: 2026-06-06. Review status: criteria provided, single submitter. Criteria: GeneDx Variant Classification Process June 2021. Collection method: clinical testing. Allele origin: germline.
Comment: Reported in an adult patient with skeletal features that may be related to the COL2A1 gene (PMID: 35296718); In silico analysis suggests that this missense variant does not alter protein structure/function; Not observed at significant frequency in large population cohorts (gnomAD); Not located in the triple helical region, where the majority of pathogenic missense variants occur (HGMD); This variant is associated with the following publications: (PMID: 35296718)

Labcorp Genetics (formerly Invitae), Labcorp
Classification: Uncertain significance. Last evaluated: 2022-09-13. Review status: criteria provided, single submitter. Criteria: Invitae Variant Classification Sherloc (09022015). Collection method: clinical testing. Allele origin: germline.
Comment: This sequence change replaces aspartic acid, which is acidic and polar, with asparagine, which is neutral and polar, at codon 65 of the COL2A1 protein (p.Asp65Asn). This variant is not present in population databases (gnomAD no frequency). This variant has not been reported in the literature in individuals affected with COL2A1-related conditions. ClinVar contains an entry for this variant (Variation ID: 843504). Advanced modeling of protein sequence and biophysical properties (such as structural, functional, and spatial information, amino acid conservation, physicochemical variation, residue mobility, and thermodynamic stability) performed at Invitae indicates that this missense variant is not expected to disrupt COL2A1 protein function. In summary, the available evidence is currently insufficient to determine the role of this variant in disease. Therefore, it has been classified as a Variant of Uncertain Significance.

Institute of Human Genetics, University Medical Center Hamburg-Eppendorf
Classification: Likely pathogenic for MASS syndrome. Last evaluated: 2021-04-16. Review status: criteria provided, single submitter. Criteria: ACMG Guidelines, 2015. Collection method: clinical testing. Allele origin: unknown. Affected: yes. Observed: 1 variant allele.
Comment: First report of a MASS phenotype associated with COL2A1 variants.